The following is an entry in ClinVar:

ClinVar aggregate classification (germline): Uncertain significance. Review status: criteria provided, multiple submitters, no conflicts (2 of 4 stars). 2 submissions from 2 submitters: Uncertain significance (2). Last evaluated 2025-03-18.

Conditions:
Hereditary cancer-predisposing syndrome. Also called: Hereditary Cancer Syndrome; Tumor predisposition; Hereditary neoplastic syndrome; Neoplastic Syndromes, Hereditary. Identifiers: Orphanet 140162, MedGen C0027672, MeSH D009386, MONDO:0015356.
Neuroblastoma, susceptibility to, 3. Also called: ALK-Related Neuroblastic Tumor Susceptibility. Identifiers: Orphanet 635, MedGen C2751681, MONDO:0013083, OMIM 613014.

Submissions (2):

Ambry Genetics
Classification: Uncertain significance for Hereditary cancer-predisposing syndrome. Last evaluated: 2025-03-18. Review status: criteria provided, single submitter. Criteria: Ambry Variant Classification Scheme 2023. Collection method: clinical testing. Allele origin: germline.
Comment: The c.1817+3A>G intronic variant results from an A to G substitution 3 nucleotides after coding exon 9 in the ALK gene. This nucleotide position is poorly conserved in available vertebrate species. In silico splice site analysis for this alteration is inconclusive. Based on the available evidence, the clinical significance of this variant remains unclear.

Labcorp Genetics (formerly Invitae), Labcorp
Classification: Uncertain significance for Neuroblastoma, susceptibility to, 3. Last evaluated: 2021-12-27. Review status: criteria provided, single submitter. Criteria: Invitae Variant Classification Sherloc (09022015). Collection method: clinical testing. Allele origin: germline.
Comment: In summary, the available evidence is currently insufficient to determine the role of this variant in disease. Therefore, it has been classified as a Variant of Uncertain Significance. Variants that disrupt the consensus splice site are a relatively common cause of aberrant splicing (PMID: 17576681, 9536098). Algorithms developed to predict the effect of sequence changes on RNA splicing suggest that this variant may disrupt the consensus splice site. ClinVar contains an entry for this variant (Variation ID: 1051918). This variant has not been reported in the literature in individuals affected with ALK-related conditions. This variant is not present in population databases (gnomAD no frequency). This sequence change falls in intron 9 of the ALK gene. It does not directly change the encoded amino acid sequence of the ALK protein. It affects a nucleotide within the consensus splice site.

Literature cited by the submitters: PubMed 17576681 (cited by Labcorp Genetics (formerly Invitae), Labcorp); PubMed 9536098 (cited by Labcorp Genetics (formerly Invitae), Labcorp).

NM_004304.5(ALK):c.1817+3A>G

Gene: ALK (ALK receptor tyrosine kinase; minus strand). Cytogenetic location: 2p23.2.
Variant type: single nucleotide variant.
Coding change: c.1817+3A>G on transcript NM_004304.5 (MANE Select); 3 bases into the intron after coding-DNA position 1817, A replaced by G.
Molecular consequence: intron variant.
Genome position (GRCh38, 1-based): chr2:29,296,885, T>C on the plus strand (A>G on the coding strand, the complement: ALK is on the minus strand). VCF-style: chr2-29296885-T-C. GRCh37 (hg19) VCF-style: chr2-29519751-T-C.
Other names: c.1817+3A>G (NM_004304.4).
Identifiers: ClinVar variation 1051918 (VCV001051918.9), dbSNP rs2148230980, ClinGen allele CA2499215873.
Genomic context (GRCh38, chr2:29,296,885, plus strand): 5'-TGATTTCTTTTTCATTTTAGCTGATAGAGGAGAAGGGTATTGGGGGAGATGCATAGAGCC[T>C]ACCTGTCAGACACATCGAGGAGAGGCAACACCATCCACTGCCACAGGCTCAAGCCTTCAT-3'